The following is an entry in ClinVar:

ClinVar aggregate classification (germline): Uncertain significance (1 of 4 stars; one submission).

Conditions:
Creatine transporter deficiency (CCDS1). Also called: CEREBRAL CREATINE DEFICIENCY SYNDROME 1; Creatine Transporter (CRTR) Deficiency; Mental retardation , X-linked with seizures, short stature and midface hypoplasia; Mental retardation , X-linked, with creatine transport deficiency; X-linked creatine transporter deficiency; X-linked creatine deficiency syndrome. Identifiers: Orphanet 52503, MedGen C1845862, MONDO:0010305, OMIM 300352.

Submission:

Labcorp Genetics (formerly Invitae), Labcorp
Classification: Uncertain significance for Creatine transporter deficiency. Last evaluated: 2022-05-11. Review status: criteria provided, single submitter. Criteria: Invitae Variant Classification Sherloc (09022015). Collection method: clinical testing. Allele origin: germline.
Comment: This sequence change falls in intron 9 of the SLC6A8 gene. It does not directly change the encoded amino acid sequence of the SLC6A8 protein. This variant is not present in population databases (gnomAD no frequency). This variant has not been reported in the literature in individuals affected with SLC6A8-related conditions. Algorithms developed to predict the effect of sequence changes on RNA splicing suggest that this variant may disrupt the consensus splice site. In summary, the available evidence is currently insufficient to determine the role of this variant in disease. Therefore, it has been classified as a Variant of Uncertain Significance.

NM_005629.4(SLC6A8):c.1392+14_1392+38del

Gene: SLC6A8 (solute carrier family 6 member 8; plus strand). Cytogenetic location: Xq28.
Variant type: Deletion.
Coding change: c.1392+14_1392+38del on transcript NM_005629.4 (MANE Select); bases 14 to 38 of the intron after coding-DNA position 1392, 25 bases deleted (GGGGTCTGCCTGTGACCTCTGGTGG).
Molecular consequence: intron variant.
Genome position (GRCh38, 1-based): chrX:153,694,281-153,694,305, GGGGTCTGCCTGTGACCTCTGGTGG deleted; deleting any 25 consecutive bases within chrX:153,694,276-153,694,305 gives the same sequence; the c. name uses the placement nearest the transcript's 3' end. VCF-style (leftmost placement, unchanged base first): chrX-153694275-GGGTGGGGGGTCTGCCTGTGACCTCT-G. GRCh37 (hg19) VCF-style: chrX-152959730-GGGTGGGGGGTCTGCCTGTGACCTCT-G.
Other names: c.1362+14_1362+38del (NM_001142805.2); c.1047+14_1047+38del (NM_001142806.1).
Identifiers: ClinVar variation 1993134 (VCV001993134.4), dbSNP rs2522166846, ClinGen allele CA2580101715.